The following is an entry in ClinVar:

ClinVar aggregate classification (germline): Uncertain significance. Review status: criteria provided, multiple submitters, no conflicts (2 of 4 stars). 2 submissions from 2 submitters: Uncertain significance (2). Last evaluated 2022-12-12.

Conditions:
Pitt-Hopkins-like syndrome 2 (PTHSL2). Identifiers: Orphanet 221150, Orphanet 600663, MedGen C3280479, MONDO:0013690, OMIM 614325.
Inborn genetic diseases. Identifiers: MedGen C0950123, MeSH D030342.

Allele frequency attached by ClinVar (database versions not stated): ExAC 0.00001.

Submissions (2):

Labcorp Genetics (formerly Invitae), Labcorp
Classification: Uncertain significance for Pitt-Hopkins-like syndrome 2. Last evaluated: 2022-12-12. Review status: criteria provided, single submitter. Criteria: Invitae Variant Classification Sherloc (09022015). Collection method: clinical testing. Allele origin: germline.
Comment: Algorithms developed to predict the effect of missense changes on protein structure and function are either unavailable or do not agree on the potential impact of this missense change (SIFT: "Deleterious"; PolyPhen-2: "Probably Damaging"; Align-GVGD: "Class C0"). In summary, the available evidence is currently insufficient to determine the role of this variant in disease. Therefore, it has been classified as a Variant of Uncertain Significance. This sequence change replaces valine, which is neutral and non-polar, with methionine, which is neutral and non-polar, at codon 865 of the NRXN1 protein (p.Val865Met). The frequency data for this variant in the population databases is considered unreliable, as metrics indicate poor data quality at this position in the gnomAD database. This variant has not been reported in the literature in individuals affected with NRXN1-related conditions.

Ambry Genetics
Classification: Uncertain significance for Inborn genetic diseases. Last evaluated: 2021-10-12. Review status: criteria provided, single submitter. Criteria: Ambry Variant Classification Scheme 2023. Collection method: clinical testing. Allele origin: germline.

NM_001330078.2(NRXN1):c.2473G>A (p.Val825Met)

Gene: NRXN1 (neurexin 1; minus strand). Cytogenetic location: 2p16.3.
Variant type: single nucleotide variant.
Coding change: c.2473G>A on transcript NM_001330078.2 (MANE Select); coding-DNA position 2473, G replaced by A.
Protein change: p.Val825Met; replaces valine 825 with methionine.
Molecular consequence: missense variant.
Genome position (GRCh38, 1-based): chr2:50,506,519, C>T on the plus strand (G>A on the coding strand, the complement: NRXN1 is on the minus strand). VCF-style: chr2-50506519-C-T. GRCh37 (hg19) VCF-style: chr2-50733657-C-T.
Other names: c.2593G>A, p.Val865Met (NM_001135659.3); c.2449G>A, p.Val817Met (NM_001330077.2, NM_001330082.2); c.2407G>A, p.Val803Met (NM_001330083.2, NM_001330084.2); c.2446G>A, p.Val816Met (NM_001330085.2); c.2473G>A, p.Val825Met (NM_001330086.2, NM_004801.6); c.2362G>A, p.Val788Met (NM_001330087.2, NM_001330096.2); c.2392G>A, p.Val798Met (NM_001330088.2); c.2470G>A, p.Val824Met (NM_001330093.2); and 2 more; short protein forms V798M, V803M, V816M, V865M, V788M, V808M, V821M, V824M.
Identifiers: ClinVar variation 2254443 (VCV002254443.5), dbSNP rs781039301, ClinGen allele CA1654811.